The following is an entry in ClinVar:

ClinVar aggregate classification (germline): Benign. Review status: criteria provided, multiple submitters, no conflicts (2 of 4 stars). 3 submissions from 3 submitters: Benign (3). Last evaluated 2026-02-02.

Conditions:
Fraser syndrome 1 (FRASRS1). Also called: CRYPTOPHTHALMOS WITH OTHER MALFORMATIONS. Identifiers: Orphanet 2052, MedGen C4551480, MONDO:0054737, OMIM 219000.

Allele frequency attached by ClinVar (database versions not stated): gnomAD exomes 0.00274 and 0.00658; ExAC 0.01074; ESP Exome Variant Server 0.02484; gnomAD 0.02613 and 0.02805; TOPMed 0.02871; 1000 Genomes Project 0.02995; 1000 Genomes Project 30x 0.03295.
gnomAD v4.1: 8,075 of 1,596,488 alleles (0.51%); highest among the groups gnomAD compares: African/African-American, 9%; 322 homozygotes.

Submissions (3):

Labcorp Genetics (formerly Invitae), Labcorp
Classification: Benign. Last evaluated: 2026-02-02. Review status: criteria provided, single submitter. Criteria: Invitae Variant Classification Sherloc (09022015). Collection method: clinical testing. Allele origin: germline.

Illumina Laboratory Services, Illumina
Classification: Benign for Fraser syndrome 1. Last evaluated: 2018-01-13. Review status: criteria provided, single submitter. Criteria: ICSL Variant Classification Criteria 13 December 2019. Collection method: clinical testing. Allele origin: germline.
Comment: This variant was observed in the ICSL laboratory as part of a predisposition screen in an ostensibly healthy population. It had not been previously curated by ICSL or reported in the Human Gene Mutation Database (HGMD: prior to June 1st, 2018), and was therefore a candidate for classification through an automated scoring system. Utilizing variant allele frequency, disease prevalence and penetrance estimates, and inheritance mode, an automated score was calculated to assess if this variant is too frequent to cause the disease. Based on the score and internal cut-off values, a variant classified as benign is not then subjected to further curation. The score for this variant resulted in a classification of benign for this disease.

Breakthrough Genomics
Classification: Benign. Review status: criteria provided, single submitter. Criteria: ACMG Guidelines, 2015. Collection method: not provided. Allele origin: germline. Inheritance: Autosomal recessive inheritance. Affected: yes.

NM_025074.7(FRAS1):c.6010+13C>T

Gene: FRAS1 (Fraser extracellular matrix complex subunit 1; plus strand). Cytogenetic location: 4q21.21.
Variant type: single nucleotide variant.
Coding change: c.6010+13C>T on transcript NM_025074.7 (MANE Select); 13 bases into the intron after coding-DNA position 6010, C replaced by T.
Molecular consequence: intron variant.
Genome position (GRCh38, 1-based): chr4:78,446,893, C>T. VCF-style: chr4-78446893-C-T. GRCh37 (hg19) VCF-style: chr4-79368047-C-T.
Identifiers: ClinVar variation 349731 (VCV000349731.13), dbSNP rs75774018, ClinGen allele CA2977680.